The following is an entry in ClinVar:

NM_020297.4(ABCC9):c.4211+5G>C

Genes: ABCC9 (ATP binding cassette subfamily C member 9; minus strand), KCNJ8-AS1 (KCNJ8 antisense RNA 1; plus strand). Cytogenetic location: 12p12.1.
Variant type: single nucleotide variant.
Coding change: c.4211+5G>C on transcript NM_020297.4 (MANE Select); 5 bases into the intron after coding-DNA position 4211, G replaced by C.
Molecular consequence: intron variant.
Genome position (GRCh38, 1-based): chr12:21,812,044, C>G on the plus strand (G>C on the coding strand, the complement: ABCC9 is on the minus strand). VCF-style: chr12-21812044-C-G. GRCh37 (hg19) VCF-style: chr12-21964978-C-G.
Other names: c.3344+5G>C (NM_001377274.1); c.4211+5G>C (NM_005691.4, NM_001377273.1).
Identifiers: ClinVar variation 3305216 (VCV003305216.1).

ClinVar aggregate classification (germline): Uncertain significance (1 of 4 stars; one submission).

Conditions:
Cardiovascular phenotype. Identifiers: MedGen CN230736.

gnomAD v4.1: 2 of 1,587,084 alleles (0.00013%); highest among the groups gnomAD compares: Non-Finnish European, 0.00017%; no homozygotes.

Submission:

Ambry Genetics
Classification: Uncertain significance for Cardiovascular phenotype. Last evaluated: 2024-04-11. Review status: criteria provided, single submitter. Criteria: Ambry Variant Classification Scheme 2023. Collection method: clinical testing. Allele origin: germline.
Comment: The c.4211+5G>C intronic variant results from a G to C substitution 5 nucleotides after coding exon 34 in the ABCC9 gene. This nucleotide position is highly conserved in available vertebrate species. In silico splice site analysis predicts that this alteration will weaken the native splice donor site. Based on the available evidence, the clinical significance of this variant remains unclear.